The following is an entry in ClinVar:

ClinVar aggregate classification (germline): Benign/Likely benign. Review status: criteria provided, multiple submitters, no conflicts (2 of 4 stars). 2 submissions from 2 submitters: Benign (1); Likely benign (1). Last evaluated 2026-06-01.

Allele frequency attached by ClinVar (database versions not stated): gnomAD exomes 0.00024 and 0.00045; ExAC 0.00055; ESP Exome Variant Server 0.00172; gnomAD 0.00186 and 0.00194; TOPMed 0.00219; 1000 Genomes Project 30x 0.00328; 1000 Genomes Project 0.00359.
gnomAD v4.1: 666 of 1,613,436 alleles (0.041%); highest among the groups gnomAD compares: African/African-American, 0.72%; 8 homozygotes.

Submissions (2):

CeGaT Center for Human Genetics Tuebingen
Classification: Likely benign. Last evaluated: 2026-06-01. Review status: criteria provided, single submitter. Criteria: CeGaT Center For Human Genetics Tuebingen Variant Classification Criteria Version 2. Collection method: clinical testing. Allele origin: germline. Affected: yes. Observed: 2 variant alleles.
Comment: DOCK4: BP4, BP7

Labcorp Genetics (formerly Invitae), Labcorp
Classification: Benign. Last evaluated: 2018-06-16. Review status: criteria provided, single submitter. Criteria: Invitae Variant Classification Sherloc (09022015). Collection method: clinical testing. Allele origin: germline.

NM_001363540.2(DOCK4):c.1416A>G (p.Lys472=)

Gene: DOCK4 (dedicator of cytokinesis 4; minus strand). Cytogenetic location: 7q31.1.
Variant type: single nucleotide variant.
Coding change: c.1416A>G on transcript NM_001363540.2 (MANE Select); coding-DNA position 1416, A replaced by G.
Protein change: p.Lys472=; no amino-acid change (lysine 472 retained).
Molecular consequence: synonymous variant.
Genome position (GRCh38, 1-based): chr7:111,900,438, T>C on the plus strand (A>G on the coding strand, the complement: DOCK4 is on the minus strand). VCF-style: chr7-111900438-T-C. GRCh37 (hg19) VCF-style: chr7-111540494-T-C.
Other names: c.1416A>G, p.Lys472= (NM_014705.4).
Identifiers: ClinVar variation 785230 (VCV000785230.7), dbSNP rs116208701, ClinGen allele CA4442423.
Genomic context (GRCh38, chr7:111,900,438, plus strand): 5'-ACAATGCCGAAACTCGAAGCGGATGTGTGCACCCCGGAATTTATCCACAGGAATGGGAAG[T>C]TTCAGCAGTTCAGACCACCTGGGACTGTTGTTATGGTAAAGCACAAAGGAGTGGTACTCA-3'
Protein context (NP_001350469.1, residues 462-482): NNSPRWSELL[Lys472=]LPIPVDKFRG